The following is an entry in ClinVar:

NM_022101.4(STEEP1):c.243-4G>A

Gene: STEEP1 (STING1 ER exit protein 1; minus strand). Cytogenetic location: Xq24.
Variant type: single nucleotide variant.
Coding change: c.243-4G>A on transcript NM_022101.4 (MANE Select); 4 bases into the intron before coding-DNA position 243, G replaced by A.
Molecular consequence: intron variant.
Genome position (GRCh38, 1-based): chrX:119,545,508, C>T on the plus strand (G>A on the coding strand, the complement: STEEP1 is on the minus strand). VCF-style: chrX-119545508-C-T. GRCh37 (hg19) VCF-style: chrX-118679471-C-T.
Other names: c.243-1017G>A (NM_001170570.2); c.96-4G>A (NM_001170569.1).
Identifiers: ClinVar variation 2673257 (VCV002673257.23), dbSNP rs2520495170, ClinGen allele CA2579688591.

ClinVar aggregate classification (germline): Uncertain significance (1 of 4 stars; one submission).

Allele frequency attached by ClinVar (database versions not stated): gnomAD exomes below 0.00001.
gnomAD v4.1: 1 of 1,156,485 alleles (0.000086%); highest among the groups gnomAD compares: Non-Finnish European, 0.00012%; no homozygotes.

Submission:

CeGaT Center for Human Genetics Tuebingen
Classification: Uncertain significance. Last evaluated: 2023-11-01. Review status: criteria provided, single submitter. Criteria: CeGaT Center For Human Genetics Tuebingen Variant Classification Criteria Version 2. Collection method: clinical testing. Allele origin: germline. Affected: yes. Observed: 1 variant allele.
Comment: STEEP1: PM2, BP4